The following is an entry in ClinVar:

ClinVar aggregate classification (germline): Uncertain significance (1 of 4 stars; one submission).

Conditions:
Norman-Roberts syndrome (LIS2). Also called: Lissencephaly 2 (Norman-Roberts type). Identifiers: Orphanet 89844, MedGen C0796089, MONDO:0009760, OMIM 257320.
Familial temporal lobe epilepsy 7. Identifiers: Orphanet 101046, MedGen C4225327, MONDO:0014639, OMIM 616436.

Submission:

Labcorp Genetics (formerly Invitae), Labcorp
Classification: Uncertain significance for Familial temporal lobe epilepsy 7; Norman-Roberts syndrome. Last evaluated: 2025-12-21. Review status: criteria provided, single submitter. Criteria: Invitae Variant Classification Sherloc (09022015). Collection method: clinical testing. Allele origin: germline.
Comment: This sequence change replaces histidine, which is basic and polar, with asparagine, which is neutral and polar, at codon 896 of the RELN protein (p.His896Asn). This variant is not present in population databases (gnomAD no frequency). This variant has not been reported in the literature in individuals affected with RELN-related conditions. ClinVar contains an entry for this variant (Variation ID: 2129077). Invitae Evidence Modeling of protein sequence and biophysical properties (such as structural, functional, and spatial information, amino acid conservation, physicochemical variation, residue mobility, and thermodynamic stability) indicates that this missense variant is not expected to disrupt RELN protein function with a negative predictive value of 80%. In summary, the available evidence is currently insufficient to determine the role of this variant in disease. Therefore, it has been classified as a Variant of Uncertain Significance.

NM_005045.4(RELN):c.2686C>A (p.His896Asn)

Gene: RELN (reelin; minus strand). Cytogenetic location: 7q22.1.
Variant type: single nucleotide variant.
Coding change: c.2686C>A on transcript NM_005045.4 (MANE Select); coding-DNA position 2686, C replaced by A.
Protein change: p.His896Asn; replaces histidine 896 with asparagine.
Molecular consequence: missense variant.
Genome position (GRCh38, 1-based): chr7:103,629,956, G>T on the plus strand (C>A on the coding strand, the complement: RELN is on the minus strand). VCF-style: chr7-103629956-G-T. GRCh37 (hg19) VCF-style: chr7-103270403-G-T.
Other names: c.2686C>A, p.His896Asn (NM_173054.3); short protein forms H896N.
Identifiers: ClinVar variation 2129077 (VCV002129077.4), dbSNP rs1562930401, ClinGen allele CA368757812.